The following is an entry in ClinVar:

NM_000341.4(SLC3A1):c.725G>C (p.Cys242Ser)

Gene: SLC3A1 (solute carrier family 3 member 1; plus strand). Cytogenetic location: 2p21.
Variant type: single nucleotide variant.
Coding change: c.725G>C on transcript NM_000341.4 (MANE Select); coding-DNA position 725, G replaced by C.
Protein change: p.Cys242Ser; replaces cysteine 242 with serine.
Molecular consequence: missense variant.
Genome position (GRCh38, 1-based): chr2:44,281,501, G>C. VCF-style: chr2-44281501-G-C. GRCh37 (hg19) VCF-style: chr2-44508640-G-C.
Other names: short protein forms C242S.
Identifiers: ClinVar variation 2987896 (VCV002987896.3), dbSNP rs2466682091, ClinGen allele CA346689271.

ClinVar aggregate classification (germline): Uncertain significance (1 of 4 stars; one submission).

Conditions:
Cystinuria (CSNU). Also called: Cystinuria, non-type I; CYSTINURIA, TYPE I; CYSTINURIA, TYPE II; CYSTINURIA, TYPE III. Identifiers: Orphanet 214, MedGen C0010691, MONDO:0009067, OMIM 220100, HP:0003131.

gnomAD v4.1: 3 of 1,613,982 alleles (0.00019%); highest among the groups gnomAD compares: Non-Finnish European, 0.00017%; no homozygotes.

Submission:

Labcorp Genetics (formerly Invitae), Labcorp
Classification: Uncertain significance for Cystinuria. Last evaluated: 2023-11-04. Review status: criteria provided, single submitter. Criteria: Invitae Variant Classification Sherloc (09022015). Collection method: clinical testing. Allele origin: germline.
Comment: This sequence change replaces cysteine, which is neutral and slightly polar, with serine, which is neutral and polar, at codon 242 of the SLC3A1 protein (p.Cys242Ser). This variant is not present in population databases (gnomAD no frequency). This variant has not been reported in the literature in individuals affected with SLC3A1-related conditions. Advanced modeling of protein sequence and biophysical properties (such as structural, functional, and spatial information, amino acid conservation, physicochemical variation, residue mobility, and thermodynamic stability) has been performed at Invitae for this missense variant, however the output from this modeling did not meet the statistical confidence thresholds required to predict the impact of this variant on SLC3A1 protein function. In summary, the available evidence is currently insufficient to determine the role of this variant in disease. Therefore, it has been classified as a Variant of Uncertain Significance.